The following is an entry in ClinVar:

NM_000548.5(TSC2):c.5200_5202delinsAAC (p.Asp1734Asn)

Gene: TSC2 (TSC complex subunit 2; plus strand). Cytogenetic location: 16p13.3.
Variant type: Indel.
Coding change: c.5200_5202delinsAAC on transcript NM_000548.5 (MANE Select); coding-DNA positions 5200 to 5202, GAT replaced by AAC.
Protein change: p.Asp1734Asn; replaces aspartic acid 1734 with asparagine.
Molecular consequence: missense variant.
Genome position (GRCh38, 1-based): chr16:2,088,266-2,088,268, GAT replaced by AAC. VCF-style: chr16-2088266-GAT-AAC. GRCh37 (hg19) VCF-style: chr16-2138267-GAT-AAC.
Other names: c.4999_5001delinsAAC, p.Asp1667Asn (NM_001077183.3); c.5131_5133delinsAAC, p.Asp1711Asn (NM_001114382.3); c.4891_4893delinsAAC, p.Asp1631Asn (NM_001318827.2); c.4855_4857delinsAAC, p.Asp1619Asn (NM_001318829.2); c.4468_4470delinsAAC, p.Asp1490Asn (NM_001318831.2); c.5032_5034delinsAAC, p.Asp1678Asn (NM_001318832.2); c.5002_5004delinsAAC, p.Asp1668Asn (NM_001363528.2); c.5068_5070delinsAAC, p.Asp1690Asn (NM_001370404.1); and 2 more; short protein forms D1631N, D1667N, D1690N, D1619N, D1668N, D1691N, D1678N, D1687N.
Identifiers: ClinVar variation 825544 (VCV000825544.11), dbSNP rs1596460422, ClinGen allele CA915946265.
Genomic context (GRCh38, chr16:2,088,266, plus strand): 5'-ACCCCCTGCCTACGTCCCCAGATGGCCTCACAGGTGCATCATAGCCGCTCCAACCCCACC[GAT>AAC]ATCTACCCCTCCAAGTGGATTGCCCGGCTCCGCCACATCAAGCGGCTCCGCCAGCGGGTA-3'
Protein context (NP_000539.2, residues 1724-1744): QVHHSRSNPT[Asp1734Asn]IYPSKWIARL

ClinVar aggregate classification (germline): Uncertain significance. Review status: criteria provided, multiple submitters, no conflicts (2 of 4 stars). 4 submissions from 4 submitters: Uncertain significance (4). Last evaluated 2025-06-11.

Conditions:
Hereditary cancer-predisposing syndrome. Also called: Neoplastic Syndromes, Hereditary; Hereditary Cancer Syndrome; Hereditary neoplastic syndrome; Tumor predisposition. Identifiers: Orphanet 140162, MedGen C0027672, MeSH D009386, MONDO:0015356.
Tuberous sclerosis 2 (TSC2). Identifiers: Orphanet 805, MedGen C1860707, MONDO:0013199, OMIM 613254.
Tuberous sclerosis syndrome (TSC). Also called: Tuberous Sclerosis Complex; Tuberous sclerosis. Identifiers: Orphanet 805, MedGen C0041341, MONDO:0001734.

Submissions (4):

Ambry Genetics
Classification: Uncertain significance for Hereditary cancer-predisposing syndrome. Last evaluated: 2025-06-11. Review status: criteria provided, single submitter. Criteria: Ambry Variant Classification Scheme 2023. Collection method: clinical testing. Allele origin: germline.
Comment: The c.5200_5202delGATinsAAC variant (also known as p.D1734N), located in coding exon 40 of the TSC2 gene, results from an in-frame deletion of GAT and insertion of AAC at nucleotide positions 5200 to 5202. This results in the substitution of the aspartic acid residue for an asparagine residue at codon 1734, an amino acid with highly similar properties. This amino acid position is highly conserved in available vertebrate species. In addition, the in silico prediction for this alteration is inconclusive. Based on the available evidence, the clinical significance of this alteration remains unclear.

Color Diagnostics, LLC DBA Color Health
Classification: Uncertain significance for Tuberous sclerosis syndrome. Last evaluated: 2025-06-09. Review status: criteria provided, single submitter. Criteria: ACMG Guidelines, 2015. Collection method: clinical testing. Allele origin: germline.
Comment: This missense variant replaces aspartic acid with asparagine at codon 1734 of the TSC2 protein. To our knowledge, functional studies have not been reported for this variant. This variant has not been reported in individuals affected with TSC2-related disorders in the literature. This variant has not been identified in the general population by the Genome Aggregation Database (gnomAD). The available evidence is insufficient to determine the role of this variant in disease conclusively. Therefore, this variant is classified as a Variant of Uncertain Significance.

Genome-Nilou Lab
Classification: Uncertain significance for Tuberous sclerosis 2. Last evaluated: 2021-11-07. Review status: criteria provided, single submitter. Criteria: ACMG Guidelines, 2015. Collection method: clinical testing. Allele origin: germline. Affected: no.

GeneDx
Classification: Uncertain significance. Last evaluated: 2019-09-04. Review status: criteria provided, single submitter. Criteria: GeneDx Variant Classification Process June 2021. Collection method: clinical testing. Allele origin: germline. Affected: yes.
Comment: Not observed in large population cohorts (Lek et al., 2016); In silico analysis, which includes protein predictors and evolutionary conservation, supports that this variant does not alter protein structure/function; Has not been previously published as pathogenic or benign to our knowledge